The following is an entry in ClinVar:

NM_014639.4(SKIC3):c.1540C>T (p.Arg514Cys)

Gene: SKIC3 (SKI3 subunit of superkiller complex; minus strand). Cytogenetic location: 5q15.
Variant type: single nucleotide variant.
Coding change: c.1540C>T on transcript NM_014639.4 (MANE Select); coding-DNA position 1540, C replaced by T.
Protein change: p.Arg514Cys; replaces arginine 514 with cysteine.
Molecular consequence: missense variant.
Genome position (GRCh38, 1-based): chr5:95,523,747, G>A on the plus strand (C>T on the coding strand, the complement: SKIC3 is on the minus strand). VCF-style: chr5-95523747-G-A. GRCh37 (hg19) VCF-style: chr5-94859451-G-A.
Other names: short protein forms R514C.
Identifiers: ClinVar variation 1973172 (VCV001973172.5), dbSNP rs201132339, ClinGen allele CA360464034.
Genomic context (GRCh38, chr5:95,523,747, plus strand): 5'-CTGCAGCTCCAGATTCAGCATCAGTGTCATCTAATTCAAAGGCTTTCCTATAACATCCAC[G>A]AGCTCTGTTTTTATCTCCCACTACGTCTCTATAATAATGACCTAAATAGCAGAAAACTTT-3'
Protein context (NP_055454.1, residues 504-524): RDVVGDKNRA[Arg514Cys]GCYRKAFELD

ClinVar aggregate classification (germline): Uncertain significance (1 of 4 stars; one submission).

Submission:

Labcorp Genetics (formerly Invitae), Labcorp
Classification: Uncertain significance. Last evaluated: 2022-07-24. Review status: criteria provided, single submitter. Criteria: Invitae Variant Classification Sherloc (09022015). Collection method: clinical testing. Allele origin: germline.
Comment: This variant is not present in population databases (gnomAD no frequency). This sequence change replaces arginine, which is basic and polar, with cysteine, which is neutral and slightly polar, at codon 514 of the TTC37 protein (p.Arg514Cys). This variant has not been reported in the literature in individuals affected with TTC37-related conditions. In summary, the available evidence is currently insufficient to determine the role of this variant in disease. Therefore, it has been classified as a Variant of Uncertain Significance. Algorithms developed to predict the effect of sequence changes on RNA splicing suggest that this variant may create or strengthen a splice site. Algorithms developed to predict the effect of missense changes on protein structure and function are either unavailable or do not agree on the potential impact of this missense change (SIFT: "Deleterious"; PolyPhen-2: "Probably Damaging"; Align-GVGD: "Class C0").